The following is an entry in ClinVar:

ClinVar aggregate classification (germline): Uncertain significance. Review status: criteria provided, multiple submitters, no conflicts (2 of 4 stars). 2 submissions from 2 submitters: Uncertain significance (2). Last evaluated 2025-08-12.

Conditions:
Familial cancer of breast. Also called: Hereditary breast cancer; hereditary breast carcinoma; BREAST CANCER, FAMILIAL. Identifiers: Orphanet 227535, MedGen C0346153, MONDO:0016419, OMIM 114480. Disease mechanism: loss of function.
Hereditary cancer-predisposing syndrome. Also called: Neoplastic Syndromes, Hereditary; Hereditary Cancer Syndrome; Tumor predisposition; Hereditary neoplastic syndrome. Identifiers: Orphanet 140162, MedGen C0027672, MeSH D009386, MONDO:0015356.

Allele frequency attached by ClinVar (database versions not stated): gnomAD exomes below 0.00001.
gnomAD v4.1: 1 of 1,613,992 alleles (0.000062%); highest among the groups gnomAD compares: Non-Finnish European, 0.000085%; no homozygotes.

Submissions (2):

Ambry Genetics
Classification: Uncertain significance for Hereditary cancer-predisposing syndrome. Last evaluated: 2025-08-12. Review status: criteria provided, single submitter. Criteria: Ambry Variant Classification Scheme 2023. Collection method: clinical testing. Allele origin: germline.
Comment: The p.G563E variant (also known as c.1688G>A), located in coding exon 8 of the BARD1 gene, results from a G to A substitution at nucleotide position 1688. The glycine at codon 563 is replaced by glutamic acid, an amino acid with similar properties. This amino acid position is conserved. In addition, the in silico prediction for this alteration is inconclusive. Since supporting evidence is limited at this time, the clinical significance of this alteration remains unclear.

Labcorp Genetics (formerly Invitae), Labcorp
Classification: Uncertain significance for Familial cancer of breast. Last evaluated: 2025-04-27. Review status: criteria provided, single submitter. Criteria: Invitae Variant Classification Sherloc (09022015). Collection method: clinical testing. Allele origin: germline.
Comment: This sequence change replaces glycine, which is neutral and non-polar, with glutamic acid, which is acidic and polar, at codon 563 of the BARD1 protein (p.Gly563Glu). This variant is not present in population databases (gnomAD no frequency). This variant has not been reported in the literature in individuals affected with BARD1-related conditions. ClinVar contains an entry for this variant (Variation ID: 852623). An algorithm developed to predict the effect of missense changes on protein structure and function (PolyPhen-2) suggests that this variant is likely to be disruptive. In summary, the available evidence is currently insufficient to determine the role of this variant in disease. Therefore, it has been classified as a Variant of Uncertain Significance.

NM_000465.4(BARD1):c.1688G>A (p.Gly563Glu)

Gene: BARD1 (BRCA1 associated RING domain 1; minus strand). Cytogenetic location: 2q35.
Variant type: single nucleotide variant.
Coding change: c.1688G>A on transcript NM_000465.4 (MANE Select); coding-DNA position 1688, G replaced by A.
Protein change: p.Gly563Glu; replaces glycine 563 with glutamic acid.
Molecular consequence: missense variant. On other transcripts: non-coding transcript variant (3), intron variant (1).
Genome position (GRCh38, 1-based): chr2:214,745,844, C>T on the plus strand (G>A on the coding strand, the complement: BARD1 is on the minus strand). VCF-style: chr2-214745844-C-T. GRCh37 (hg19) VCF-style: chr2-215610568-C-T.
Other names: c.1631G>A, p.Gly544Glu (NM_001282543.2); c.335G>A, p.Gly112Glu (NM_001282545.2); c.278G>A, p.Gly93Glu (NM_001282548.2); c.365-15336G>A (NM_001282549.2); short protein forms G112E, G544E, G563E, G93E.
Identifiers: ClinVar variation 852623 (VCV000852623.14), dbSNP rs1693088188, ClinGen allele CA350453306.
Genomic context (GRCh38, chr2:214,745,844, plus strand): 5'-TTCTGTTGTTCTGAAGACAGCCCACTGCCTATAAGTACAAGAGGTCCATCCCTACGCTGC[C>T]CAGTGTTCATCTGTTAATATAAAAGGAGATACCAGTGTTAAAAACATTAGACGACTAGAC-3'
Protein context (NP_000456.2, residues 553-573): SASHCSVMNT[Gly563Glu]QRRDGPLVLI